The following is an entry in ClinVar:

ClinVar aggregate classification (germline): Uncertain significance (1 of 4 stars; one submission).

Allele frequency attached by ClinVar (database versions not stated): gnomAD exomes below 0.00001.
gnomAD v4.1: 2 of 1,614,074 alleles (0.00012%); highest among the groups gnomAD compares: Non-Finnish European, 0.00017%; no homozygotes.

Submission:

Labcorp Genetics (formerly Invitae), Labcorp
Classification: Uncertain significance. Last evaluated: 2022-08-16. Review status: criteria provided, single submitter. Criteria: Invitae Variant Classification Sherloc (09022015). Collection method: clinical testing. Allele origin: germline.
Comment: In summary, the available evidence is currently insufficient to determine the role of this variant in disease. Therefore, it has been classified as a Variant of Uncertain Significance. Algorithms developed to predict the effect of missense changes on protein structure and function (SIFT, PolyPhen-2, Align-GVGD) all suggest that this variant is likely to be tolerated. This variant has not been reported in the literature in individuals affected with PRPF31-related conditions. This variant is present in population databases (no rsID available, gnomAD 0.0009%). This sequence change replaces alanine, which is neutral and non-polar, with aspartic acid, which is acidic and polar, at codon 75 of the PRPF31 protein (p.Ala75Asp).

NM_015629.4(PRPF31):c.224C>A (p.Ala75Asp)

Gene: PRPF31 (pre-mRNA processing factor 31; plus strand). Cytogenetic location: 19q13.42.
Variant type: single nucleotide variant.
Coding change: c.224C>A on transcript NM_015629.4 (MANE Select); coding-DNA position 224, C replaced by A.
Protein change: p.Ala75Asp; replaces alanine 75 with aspartic acid.
Molecular consequence: missense variant.
Genome position (GRCh38, 1-based): chr19:54,118,619, C>A. VCF-style: chr19-54118619-C-A. GRCh37 (hg19) VCF-style: chr19-54621999-C-A.
Other names: short protein forms A75D.
Identifiers: ClinVar variation 1967045 (VCV001967045.5), dbSNP rs1334884325, ClinGen allele CA407790689.